The following is an entry in ClinVar:

ClinVar aggregate classification (germline): Conflicting classifications of pathogenicity. Review status: criteria provided, conflicting classifications (1 of 4 stars). 3 submissions from 3 submitters: Likely pathogenic (2); Uncertain significance (1). Last evaluated 2025-06-25.

Conditions:
COL11A1-related disorder. Also called: COL11A1-related disorders; COL11A1-related condition.
Stickler syndrome type 2 (STL2). Also called: STICKLER SYNDROME, TYPE II; COL11A1-Related Stickler Syndrome; STICKLER SYNDROME, BEADED VITREOUS TYPE; STICKLER SYNDROME, VITREOUS TYPE 2. Identifiers: Orphanet 828, Orphanet 90654, MedGen C1858084, MONDO:0011493, OMIM 604841.

Submissions (3):

3billion
Classification: Uncertain significance for Stickler syndrome type 2. Last evaluated: 2025-06-25. Review status: criteria provided, single submitter. Criteria: ACMG Guidelines, 2015. Collection method: clinical testing. Allele origin: germline. Affected: yes.
Comment: The variant is not observed in the gnomAD v4.1.0 dataset. Predicted Consequence/Location: Missense variant In silico tool predictions suggest damaging effect of the variant on gene or gene product [REVEL: 0.96 (>=0.6, sensitivity 0.68 and specificity 0.92)]. The same nucleotide change resulting in the same amino acid change has been previously reported to be associated with COL11A1-related disorder (ClinVar ID: VCV003376905). A different missense change at the same codon (p.Gly535Cys) has been reported to be associated with COL11A1-related disorder (PMID: 25240749). Therefore, this variant is classified as VUS according to the recommendation of ACMG/AMP guideline.

Victorian Clinical Genetics Services, Murdoch Childrens Research Institute
Classification: Likely pathogenic for Stickler syndrome type 2. Last evaluated: 2022-06-24. Review status: criteria provided, single submitter. Criteria: ACMG Guidelines, 2015. Collection method: clinical testing. Allele origin: germline. Inheritance: Autosomal dominant inheritance. Affected: yes.
Comment: Based on the classification scheme VCGS_Germline_v1.3.4, this variant is classified as Likely pathogenic. Following criteria are met: 0102 - Loss of function is a known mechanism of disease in this gene and is associated with COL11A1-related skeletal dysplasias and autosomal dominant deafness 37 (MIM#618533). Dominant negative is the suggested mechanism for Gly-X-Y variants (OMIM). (I) 0108 - This gene is associated with both recessive and dominant disease. Both missense variants and those predicted to result in a truncated protein have been reported to cause both recessive and dominant modes of disease. Marshall syndrome and Stickler syndrome have been reported with both dominant and recessive modes of inheritance (PMID: 32578940, PMID: 25073711), with recessive Stickler syndrome usually being caused by variants within exon 9. (I) 0115 - Variants in this gene causing Stickler syndrome are known to have variable expressivity (PMID: 27081569). (I) 0200 - Variant is predicted to result in a missense amino acid change from glycine to arginine. (I) 0251 - This variant is heterozygous. (I) 0301 - Variant is absent from gnomAD (both v2 and v3). (SP) 0501 - Missense variant consistently predicted to be damaging by multiple in silico tools or highly conserved with a major amino acid change. (SP) 0601 - Variant is located in the well-established functional triple helical region. This variant disrupts the glycine within a G-X-Y repeat motif (DECIPHER). (SP) 0704 - Another missense variant comparable to the one identified in this case has limited previous evidence for pathogenicity. The p.(Gly535Cys) variant has been reported in a patient with Stickler syndrome, type II (PMID: 25240749). (SP) 0807 - This variant has no previous evidence of pathogenicity. (I) 0905 - No published segregation evidence has been identified for this variant. (I) 1007 - No published functional evidence has been identified for this variant. (I) 1208 - Inheritance information for this variant is not currently available in this individual. (I) Legend: (SP) - Supporting pathogenic, (I) - Information, (SB) - Supporting benign

Blueprint Genetics
Classification: Likely pathogenic for COL11A1-related disorders. Last evaluated: 2018-05-14. Review status: criteria provided, single submitter. Criteria: ACMG Guidelines, 2015. Collection method: clinical testing. Allele origin: germline. Affected: yes. Observed: 1 variant allele.

Literature cited by the submitters: PubMed 25240749 (cited by 3billion and Victorian Clinical Genetics Services, Murdoch Childrens Research Institute); PubMed 25073711 (cited by Victorian Clinical Genetics Services, Murdoch Childrens Research Institute); PubMed 27081569 (cited by Victorian Clinical Genetics Services, Murdoch Childrens Research Institute); PubMed 32578940 (cited by Victorian Clinical Genetics Services, Murdoch Childrens Research Institute).

NM_001854.4(COL11A1):c.1603G>C (p.Gly535Arg)

Gene: COL11A1 (collagen type XI alpha 1 chain; minus strand). Cytogenetic location: 1p21.1.
Variant type: single nucleotide variant.
Coding change: c.1603G>C on transcript NM_001854.4 (MANE Select); coding-DNA position 1603, G replaced by C.
Protein change: p.Gly535Arg; replaces glycine 535 with arginine.
Molecular consequence: missense variant. On other transcripts: non-coding transcript variant (1).
Genome position (GRCh38, 1-based): chr1:103,012,439, C>G on the plus strand (G>C on the coding strand, the complement: COL11A1 is on the minus strand). VCF-style: chr1-103012439-C-G. GRCh37 (hg19) VCF-style: chr1-103477995-C-G.
Other names: c.1486G>C, p.Gly496Arg (NM_001190709.2); c.1639G>C, p.Gly547Arg (NM_080629.3); c.1255G>C, p.Gly419Arg (NM_080630.4); short protein forms G419R, G496R, G535R, G547R.
Identifiers: ClinVar variation 3376905 (VCV003376905.3).